The following is an entry in ClinVar:

ClinVar aggregate classification (germline): Likely benign. Review status: criteria provided, multiple submitters, no conflicts (2 of 4 stars). 2 submissions from 2 submitters: Likely benign (2). Last evaluated 2018-01-13.

Conditions:
Hyperlipoproteinemia, type I. Also called: Lipoprotein Lipase Deficiency; Lipase D deficiency; Familial hyperlipo-proteinemia type 1; Hyperlipemia essential familial; Familial Lipoprotein Lipase Deficiency; Hyperlipoproteinemia type 1. Identifiers: Orphanet 309015, Orphanet 444490, MedGen C0023817, MONDO:0009387, OMIM 238600. Disease mechanism: loss of function.

Allele frequency attached by ClinVar (database versions not stated): TOPMed 0.00268; 1000 Genomes Project 30x 0.00515; 1000 Genomes Project 0.00559.

Submissions (2):

Illumina Laboratory Services, Illumina
Classification: Likely benign for Hyperlipoproteinemia, type I. Last evaluated: 2018-01-13. Review status: criteria provided, single submitter. Criteria: ICSL Variant Classification Criteria 13 December 2019. Collection method: clinical testing. Allele origin: germline.
Comment: This variant was observed in the ICSL laboratory as part of a predisposition screen in an ostensibly healthy population. It had not been previously curated by ICSL or reported in the Human Gene Mutation Database (HGMD: prior to June 1st, 2018), and was therefore a candidate for classification through an automated scoring system. Utilizing variant allele frequency, disease prevalence and penetrance estimates, and inheritance mode, an automated score was calculated to assess if this variant is too frequent to cause the disease. Based on the score and internal cut-off values, a variant classified as likely benign is not then subjected to further curation. The score for this variant resulted in a classification of likely benign for this disease.

Breakthrough Genomics
Classification: Likely benign. Review status: criteria provided, single submitter. Criteria: ACMG Guidelines, 2015. Collection method: not provided. Allele origin: germline. Inheritance: Autosomal recessive inheritance. Affected: yes.

NM_000237.3(LPL):c.*688G>A

Gene: LPL (lipoprotein lipase; plus strand). Cytogenetic location: 8p21.3.
Variant type: single nucleotide variant.
Coding change: c.*688G>A on transcript NM_000237.3 (MANE Select); 688 bases downstream of the stop codon, G replaced by A.
Molecular consequence: 3 prime UTR variant.
Genome position (GRCh38, 1-based): chr8:19,965,998, G>A. VCF-style: chr8-19965998-G-A. GRCh37 (hg19) VCF-style: chr8-19823509-G-A.
Identifiers: ClinVar variation 362427 (VCV000362427.6), dbSNP rs187587525, ClinGen allele CA10630572.